The following is an entry in ClinVar:

ClinVar aggregate classification (germline): Uncertain significance. Review status: criteria provided, multiple submitters, no conflicts (2 of 4 stars). 4 submissions from 4 submitters: Uncertain significance (3). 1 of the submissions does not count toward it. Last evaluated 2024-11-25.

Conditions:
SCN8A-related disorder.
Inborn genetic diseases. Identifiers: MedGen C0950123, MeSH D030342.
Early-infantile DEE. Also called: Early infantile epileptic encephalopathy with suppression bursts; Early infantile epileptic encephalopathy; Ohtahara syndrome. Identifiers: Orphanet 1934, MedGen C0393706, MONDO:0800491.

Allele frequency attached by ClinVar (database versions not stated): ExAC 0.00001; gnomAD 0.00001; gnomAD exomes below 0.00001; TOPMed 0.00001.
gnomAD v4.1: 5 of 1,597,808 alleles (0.00031%); highest among the groups gnomAD compares: South Asian, 0.0011%; no homozygotes.

Submissions (4):

Labcorp Genetics (formerly Invitae), Labcorp
Classification: Uncertain significance for Early-infantile DEE. Last evaluated: 2024-11-25. Review status: criteria provided, single submitter. Criteria: Invitae Variant Classification Sherloc (09022015). Collection method: clinical testing. Allele origin: germline.
Comment: This sequence change replaces isoleucine, which is neutral and non-polar, with methionine, which is neutral and non-polar, at codon 121 of the SCN8A protein (p.Ile121Met). This variant is present in population databases (rs752190543, gnomAD 0.003%). This variant has not been reported in the literature in individuals affected with SCN8A-related conditions. ClinVar contains an entry for this variant (Variation ID: 1254447). Invitae Evidence Modeling of protein sequence and biophysical properties (such as structural, functional, and spatial information, amino acid conservation, physicochemical variation, residue mobility, and thermodynamic stability) indicates that this missense variant is not expected to disrupt SCN8A protein function with a negative predictive value of 95%. In summary, the available evidence is currently insufficient to determine the role of this variant in disease. Therefore, it has been classified as a Variant of Uncertain Significance.

Ambry Genetics
Classification: Uncertain significance for Inborn genetic diseases. Last evaluated: 2021-07-14. Review status: criteria provided, single submitter. Criteria: Ambry Variant Classification Scheme 2023. Collection method: clinical testing. Allele origin: germline.

GeneDx
Classification: Uncertain significance. Last evaluated: 2021-02-09. Review status: criteria provided, single submitter. Criteria: GeneDx Variant Classification Process June 2021. Collection method: clinical testing. Allele origin: germline. Affected: yes.
Comment: Has not been previously published as pathogenic or benign to our knowledge; This substitution is predicted to be within the N-terminal cytoplasmic domain.; In-silico analysis, which includes splice predictors and evolutionary conservation, is inconclusive as to whether the variant alters gene splicing. In the absence of RNA/functional studies, the actual effect of this sequence change is unknown.; In silico analysis supports that the missense variant does not alter protein structure/function; Missense variants in this gene are often considered pathogenic (Stenson et al., 2014)

PreventionGenetics, part of Exact Sciences
Classification: Uncertain significance for SCN8A-related condition. Last evaluated: 2024-03-14. Review status: no assertion criteria provided. Collection method: clinical testing. Allele origin: germline. Not counted in ClinVar's aggregate classification.
Comment: The SCN8A c.363A>G variant is predicted to result in the amino acid substitution p.Ile121Met. To our knowledge, this variant has not been reported in the literature. This variant is reported in 0.0033% of alleles in individuals of South Asian descent in gnomAD. At this time, the clinical significance of this variant is uncertain due to the absence of conclusive functional and genetic evidence.

NM_001330260.2(SCN8A):c.363A>G (p.Ile121Met)

Gene: SCN8A (sodium voltage-gated channel alpha subunit 8; plus strand). Cytogenetic location: 12q13.13.
Variant type: single nucleotide variant.
Coding change: c.363A>G on transcript NM_001330260.2 (MANE Select); coding-DNA position 363, A replaced by G.
Protein change: p.Ile121Met; replaces isoleucine 121 with methionine.
Molecular consequence: missense variant.
Genome position (GRCh38, 1-based): chr12:51,684,260, A>G. VCF-style: chr12-51684260-A-G. GRCh37 (hg19) VCF-style: chr12-52078044-A-G.
Other names: c.363A>G, p.Ile121Met (NM_001177984.3, NM_001369788.1, NM_014191.4); c.363A>G (NM_014191.2); short protein forms I121M.
Identifiers: ClinVar variation 1254447 (VCV001254447.9), dbSNP rs752190543, ClinGen allele CA6571043.
Genomic context (GRCh38, chr12:51,684,260, plus strand): 5'-AACTCTCTTCAGATTTAGTGCCACGCCTGCCTTGTACATTTTAAGTCCTTTTAACCTGAT[A>G]AGAAGAATAGCTATTAAAATTTTGATACATTCATATCCTTTTCGGCAAATGTGGAGTGAG-3'
Protein context (NP_001317189.1, residues 111-131): ALYILSPFNL[Ile121Met]RRIAIKILIH